The following is an entry in ClinVar:

ClinVar aggregate classification (germline): Benign/Likely benign. Review status: criteria provided, multiple submitters, no conflicts (2 of 4 stars). 7 submissions from 7 submitters: Benign (3); Likely benign (3). 1 of the submissions does not count toward it. Last evaluated 2026-01-11.

Conditions:
Inborn genetic diseases. Identifiers: MedGen C0950123, MeSH D030342.
Intellectual developmental disorder, X-linked, syndromic, Claes-Jensen type. Also called: INTELLECTUAL DEVELOPMENTAL DISORDER, X-LINKED, SYNDROMIC 16; MENTAL RETARDATION, X-LINKED, SYNDROMIC 16; Syndromic X-linked intellectual disability Claes-Jensen type. Identifiers: Orphanet 85279, MedGen C1845243, MONDO:0010355, OMIM 300534.
KDM5C-related disorder. Also called: KDM5C-related condition.
Spastic paraplegia. Identifiers: MedGen C0037772, HP:0001258.

Allele frequency attached by ClinVar (database versions not stated): gnomAD exomes 0.00089 and 0.00034; ESP Exome Variant Server 0.00360; 1000 Genomes Project 30x 0.00458; 1000 Genomes Project 0.00477; ExAC 0.00109; TOPMed 0.00335; gnomAD 0.00275 and 0.00287.
gnomAD v4.1: 697 of 1,210,404 alleles (0.058%); highest among the groups gnomAD compares: African/African-American, 0.97%; 3 homozygotes.

Submissions (7):

Labcorp Genetics (formerly Invitae), Labcorp
Classification: Benign for Spastic paraplegia. Last evaluated: 2026-01-11. Review status: criteria provided, single submitter. Criteria: Invitae Variant Classification Sherloc (09022015). Collection method: clinical testing. Allele origin: germline.

Blueprint Genetics
Classification: Likely benign. Last evaluated: 2024-11-12. Review status: criteria provided, single submitter. Criteria: ACMG Guidelines, 2015. Collection method: clinical testing. Allele origin: germline.

GeneDx
Classification: Likely benign. Last evaluated: 2022-09-16. Review status: criteria provided, single submitter. Criteria: GeneDx Variant Classification Process June 2021. Collection method: clinical testing. Allele origin: germline. Affected: yes.
Comment: See Variant Classification Assertion Criteria.

Fulgent Genetics
Classification: Likely benign for Intellectual developmental disorder, X-linked, syndromic, Claes-Jensen type. Last evaluated: 2021-08-11. Review status: criteria provided, single submitter. Criteria: ACMG Guidelines, 2015. Collection method: clinical testing. Allele origin: unknown.

Ambry Genetics
Classification: Benign for Inborn genetic diseases. Last evaluated: 2017-06-30. Review status: criteria provided, single submitter. Criteria: Ambry Variant Classification Scheme 2023. Collection method: clinical testing. Allele origin: germline.

Eurofins Ntd Llc (ga)
Classification: Benign. Last evaluated: 2015-10-06. Review status: criteria provided, single submitter. Criteria: EGL Classification Definitions 2015. Collection method: clinical testing. Allele origin: germline. Observed: 1 variant allele, 1 hemizygote.

PreventionGenetics, part of Exact Sciences
Classification: Benign for KDM5C-related condition. Last evaluated: 2019-09-24. Review status: no assertion criteria provided. Collection method: clinical testing. Allele origin: germline. Not counted in ClinVar's aggregate classification.
Comment: This variant is classified as benign based on ACMG/AMP sequence variant interpretation guidelines (Richards et al. 2015 PMID: 25741868, with internal and published modifications).

NM_004187.5(KDM5C):c.3540G>A (p.Thr1180=)

Gene: KDM5C (lysine demethylase 5C; minus strand). Cytogenetic location: Xp11.22.
Variant type: single nucleotide variant.
Coding change: c.3540G>A on transcript NM_004187.5 (MANE Select); coding-DNA position 3540, G replaced by A.
Protein change: p.Thr1180=; no amino-acid change (threonine 1180 retained).
Molecular consequence: synonymous variant. On other transcripts: non-coding transcript variant (3).
Genome position (GRCh38, 1-based): chrX:53,194,637, C>T on the plus strand (G>A on the coding strand, the complement: KDM5C is on the minus strand). VCF-style: chrX-53194637-C-T. GRCh37 (hg19) VCF-style: chrX-53223819-C-T.
Other names: c.3339G>A, p.Thr1113= (NM_001146702.2); c.3537G>A, p.Thr1179= (NM_001282622.3, NM_001353979.2, NM_001353982.2); c.3540G>A, p.Thr1180= (NM_001353978.3, NM_001353981.2, NM_001353984.2).
Identifiers: ClinVar variation 283211 (VCV000283211.26), dbSNP rs76525703, ClinGen allele CA10419209.